The following is an entry in ClinVar:

ClinVar aggregate classification (germline): Uncertain significance (1 of 4 stars; one submission).

Conditions:
Aicardi-Goutieres syndrome 3. Identifiers: Orphanet 51, MedGen C1835916, MONDO:0012471, OMIM 610329.

Allele frequency attached by ClinVar (database versions not stated): gnomAD exomes below 0.00001 and 0.00001; TOPMed below 0.00001; gnomAD 0.00001.
gnomAD v4.1: 5 of 1,595,186 alleles (0.00031%); highest among the groups gnomAD compares: Admixed American, 0.0051%; no homozygotes.

Submission:

Labcorp Genetics (formerly Invitae), Labcorp
Classification: Uncertain significance for Aicardi-Goutieres syndrome 3. Last evaluated: 2021-12-12. Review status: criteria provided, single submitter. Criteria: Invitae Variant Classification Sherloc (09022015). Collection method: clinical testing. Allele origin: germline.
Comment: This sequence change replaces threonine, which is neutral and polar, with isoleucine, which is neutral and non-polar, at codon 20 of the RNASEH2C protein (p.Thr20Ile). The frequency data for this variant in the population databases is considered unreliable, as metrics indicate poor data quality at this position in the gnomAD database. This variant has not been reported in the literature in individuals affected with RNASEH2C-related conditions. ClinVar contains an entry for this variant (Variation ID: 939310). Algorithms developed to predict the effect of missense changes on protein structure and function are either unavailable or do not agree on the potential impact of this missense change (SIFT: "Deleterious"; PolyPhen-2: "Possibly Damaging"; Align-GVGD: "Class C0"). In summary, the available evidence is currently insufficient to determine the role of this variant in disease. Therefore, it has been classified as a Variant of Uncertain Significance.

NM_032193.4(RNASEH2C):c.59C>T (p.Thr20Ile)

Genes: RNASEH2C (ribonuclease H2 subunit C; minus strand), LOC130006061 (ATAC-STARR-seq lymphoblastoid silent region 3553; plus strand). Cytogenetic location: 11q13.1.
Variant type: single nucleotide variant.
Coding change: c.59C>T on transcript NM_032193.4 (MANE Select); coding-DNA position 59, C replaced by T.
Protein change: p.Thr20Ile; replaces threonine 20 with isoleucine.
Molecular consequence: missense variant.
Genome position (GRCh38, 1-based): chr11:65,720,700, G>A on the plus strand (C>T on the coding strand, the complement: RNASEH2C is on the minus strand). VCF-style: chr11-65720700-G-A. GRCh37 (hg19) VCF-style: chr11-65488171-G-A.
Other names: short protein forms T20I.
Identifiers: ClinVar variation 939310 (VCV000939310.5), dbSNP rs1234973794, ClinGen allele CA381299537.
Genomic context (GRCh38, chr11:65,720,700, plus strand): 5'-CCGTCCACCGCAACCTCGCAGGGCAGCAGATGCAGTGTGGCGGGTACGGCGTCGCGCAAT[G>A]TGGCGGAGCGCAAGTGGACGCGGTGCCTCTCGATGGCCGCTTCGTCGCCGCTCTCCATCC-3'
Protein context (NP_115569.2, residues 10-30): ERHRVHLRSA[Thr20Ile]LRDAVPATLH